The following is an entry in ClinVar:

NM_001386298.1(CIC):c.5261C>T (p.Ala1754Val)

Gene: CIC (capicua transcriptional repressor; plus strand). Cytogenetic location: 19q13.2.
Variant type: single nucleotide variant.
Coding change: c.5261C>T on transcript NM_001386298.1 (MANE Select); coding-DNA position 5261, C replaced by T.
Protein change: p.Ala1754Val; replaces alanine 1754 with valine.
Molecular consequence: missense variant.
Genome position (GRCh38, 1-based): chr19:42,291,302, C>T. VCF-style: chr19-42291302-C-T. GRCh37 (hg19) VCF-style: chr19-42795454-C-T.
Other names: c.5261C>T, p.Ala1754Val (NM_001304815.2, NM_001379480.1, NM_001379482.1 and 6 more transcripts); c.2534C>T, p.Ala845Val (NM_001379484.1, NM_001379485.1, NM_001439189.1 and 3 more transcripts); short protein forms A1754V, A845V.
Identifiers: ClinVar variation 4525978 (VCV004525978.1).
Genomic context (GRCh38, chr19:42,291,302, plus strand): 5'-TACAGTACATCCTGCCCACGCTGCCCCAGCAGCTTCAGGTGGCACCTGCCCCAGCACCAG[C>T]CCCTGGGACCAAGGCAGCGGCTCCCAGCGGCCCTGCACCCACCACCAGCATCCGTTTCAC-3'
Protein context (NP_001373227.1, residues 1744-1764): QLQVAPAPAP[Ala1754Val]PGTKAAAPSG

ClinVar aggregate classification (germline): Uncertain significance (1 of 4 stars; one submission).

gnomAD v4.1: 9 of 1,612,842 alleles (0.00056%); highest among the groups gnomAD compares: East Asian, 0.016%; no homozygotes.

Submission:

Women's Health and Genetics/Laboratory Corporation of America, LabCorp
Classification: Uncertain significance. Last evaluated: 2025-07-11. Review status: criteria provided, single submitter. Criteria: LabCorp Variant Classification Summary - May 2015. Collection method: clinical testing. Allele origin: germline.
Comment: Variant summary: CIC c.2534C>T (p.Ala845Val) results in a non-conservative amino acid change in the encoded protein sequence. Algorithms developed to predict the effect of missense changes on protein structure and function are either unavailable or do not agree on the potential impact of this missense change. The variant allele was found at a frequency of 2e-05 in 246016 control chromosomes. The available data on variant occurrences in the general population are insufficient to allow any conclusion about variant significance. To our knowledge, no occurrence of c.2534C>T in individuals affected with Mental Retardation, Autosomal Dominant 45 and no experimental evidence demonstrating its impact on protein function have been reported. No submitters have cited clinical-significance assessments for this variant to ClinVar. Based on the evidence outlined above, the variant was classified as uncertain significance.